The following is an entry in ClinVar:

NM_020843.4(SCAPER):c.195+6G>A

Gene: SCAPER (S-phase cyclin A associated protein in the ER; minus strand). Cytogenetic location: 15q24.3.
Variant type: single nucleotide variant.
Coding change: c.195+6G>A on transcript NM_020843.4 (MANE Select); 6 bases into the intron after coding-DNA position 195, G replaced by A.
Molecular consequence: intron variant.
Genome position (GRCh38, 1-based): chr15:76,857,803, C>T on the plus strand (G>A on the coding strand, the complement: SCAPER is on the minus strand). VCF-style: chr15-76857803-C-T. GRCh37 (hg19) VCF-style: chr15-77150144-C-T.
Other names: c.-326+6G>A (NM_001353011.2); c.-208+6G>A (NM_001353012.2); c.195+6G>A (NM_001353009.2); c.-263+6G>A (NM_001353010.2); c.-770+6G>A (NM_001145923.2).
Identifiers: ClinVar variation 2645586 (VCV002645586.25), dbSNP rs186713111, ClinGen allele CA7675274.

ClinVar aggregate classification (germline): Likely benign. Review status: criteria provided, multiple submitters, no conflicts (2 of 4 stars). 2 submissions from 2 submitters: Likely benign (2). Last evaluated 2024-08-28.

Allele frequency attached by ClinVar (database versions not stated): gnomAD exomes 0.00022; ExAC 0.00090; 1000 Genomes Project 0.00240; ESP Exome Variant Server 0.00255; gnomAD 0.00269; 1000 Genomes Project 30x 0.00281; TOPMed 0.00310.
gnomAD v4.1: 706 of 1,513,442 alleles (0.047%); highest among the groups gnomAD compares: African/African-American, 0.9%; 5 homozygotes.

Submissions (2):

Blueprint Genetics
Classification: Likely benign. Last evaluated: 2024-08-28. Review status: criteria provided, single submitter. Criteria: ACMG Guidelines, 2015. Collection method: clinical testing. Allele origin: germline.

CeGaT Center for Human Genetics Tuebingen
Classification: Likely benign. Last evaluated: 2022-09-01. Review status: criteria provided, single submitter. Criteria: CeGaT Center For Human Genetics Tuebingen Variant Classification Criteria Version 2. Collection method: clinical testing. Allele origin: germline. Affected: yes. Observed: 1 variant allele.
Comment: SCAPER: BP4, BS2